The following is an entry in ClinVar:

ClinVar aggregate classification (germline): Benign (1 of 4 stars; one submission).

Conditions:
Keratosis follicularis (DAR). Also called: Darier disease; Darier's disease. Identifiers: Orphanet 218, MedGen C0022595, MONDO:0007417, OMIM 124200.

Allele frequency attached by ClinVar (database versions not stated): ExAC 0.00002; gnomAD exomes 0.00003; gnomAD 0.00010; TOPMed 0.00015.
gnomAD v4.1: 85 of 1,614,084 alleles (0.0053%); highest among the groups gnomAD compares: African/African-American, 0.04%; no homozygotes.

Submission:

Illumina Laboratory Services, Illumina
Classification: Benign for Keratosis follicularis. Last evaluated: 2018-01-12. Review status: criteria provided, single submitter. Criteria: ICSL Variant Classification Criteria 13 December 2019. Collection method: clinical testing. Allele origin: germline.
Comment: This variant was observed in the ICSL laboratory as part of a predisposition screen in an ostensibly healthy population. It had not been previously curated by ICSL or reported in the Human Gene Mutation Database (HGMD: prior to June 1st, 2018), and was therefore a candidate for classification through an automated scoring system. Utilizing variant allele frequency, disease prevalence and penetrance estimates, and inheritance mode, an automated score was calculated to assess if this variant is too frequent to cause the disease. Based on the score and internal cut-off values, a variant classified as benign is not then subjected to further curation. The score for this variant resulted in a classification of benign for this disease.

NM_170665.4(ATP2A2):c.*3875G>A

Gene: ATP2A2 (ATPase sarcoplasmic/endoplasmic reticulum Ca2+ transporting 2; plus strand). Cytogenetic location: 12q24.11.
Variant type: single nucleotide variant.
Coding change: c.*3875G>A on transcript NM_170665.4 (MANE Select); 3875 bases downstream of the stop codon, G replaced by A.
Molecular consequence: 3 prime UTR variant.
Genome position (GRCh38, 1-based): chr12:110,350,345, G>A. VCF-style: chr12-110350345-G-A. GRCh37 (hg19) VCF-style: chr12-110788150-G-A.
Other names: c.*40G>A (NM_001681.4).
Identifiers: ClinVar variation 307189 (VCV000307189.5), dbSNP rs772831610, ClinGen allele CA6784346.